The following is an entry in ClinVar:

ClinVar aggregate classification (germline): Uncertain significance (1 of 4 stars; one submission).

Conditions:
Baller-Gerold syndrome (BGS). Also called: CRANIOSYNOSTOSIS WITH RADIAL DEFECTS. Identifiers: Orphanet 1225, MedGen C0265308, MONDO:0009039, OMIM 218600.

Submission:

Labcorp Genetics (formerly Invitae), Labcorp
Classification: Uncertain significance for Baller-Gerold syndrome. Last evaluated: 2023-04-25. Review status: criteria provided, single submitter. Criteria: Invitae Variant Classification Sherloc (09022015). Collection method: clinical testing. Allele origin: germline.
Comment: In summary, the available evidence is currently insufficient to determine the role of this variant in disease. Therefore, it has been classified as a Variant of Uncertain Significance. Advanced modeling of protein sequence and biophysical properties (such as structural, functional, and spatial information, amino acid conservation, physicochemical variation, residue mobility, and thermodynamic stability) performed at Invitae indicates that this missense variant is not expected to disrupt RECQL4 protein function. This variant has not been reported in the literature in individuals affected with RECQL4-related conditions. This variant is not present in population databases (gnomAD no frequency). This sequence change replaces valine, which is neutral and non-polar, with isoleucine, which is neutral and non-polar, at codon 599 of the RECQL4 protein (p.Val599Ile).

NM_004260.4(RECQL4):c.1795G>A (p.Val599Ile)

Gene: RECQL4 (RecQ like helicase 4; minus strand). Cytogenetic location: 8q24.3.
Variant type: single nucleotide variant.
Coding change: c.1795G>A on transcript NM_004260.4 (MANE Select); coding-DNA position 1795, G replaced by A.
Protein change: p.Val599Ile; replaces valine 599 with isoleucine.
Molecular consequence: missense variant. On other transcripts: non-coding transcript variant (3), intron variant (3).
Genome position (GRCh38, 1-based): chr8:144,514,272, C>T on the plus strand (G>A on the coding strand, the complement: RECQL4 is on the minus strand). VCF-style: chr8-144514272-C-T. GRCh37 (hg19) VCF-style: chr8-145739656-C-T.
Other names: c.1699G>A, p.Val567Ile (NM_001413017.1, NM_001413020.1); c.1795G>A, p.Val599Ile (NM_001413018.1, NM_001413019.1, NM_001413036.1); c.724G>A, p.Val242Ile (NM_001413021.1, NM_001413022.1, NM_001413023.1 and 6 more transcripts); c.1666G>A, p.Val556Ile (NM_001413025.1); c.658G>A, p.Val220Ile (NM_001413027.1, NM_001413041.1, NM_001413030.1 and 1 more transcripts); c.694G>A, p.Val232Ile (NM_001413042.1); c.328G>A, p.Val110Ile (NM_001413043.1); c.1705-42G>A (NM_001413033.1); and 4 more; short protein forms V110I, V482I, V556I, V599I, V589I, V220I, V232I, V242I.
Identifiers: ClinVar variation 2764327 (VCV002764327.3), dbSNP rs2538039415, ClinGen allele CA372680912.